The following is an entry in ClinVar:

NM_002485.5(NBN):c.621T>C (p.Ser207=)

Gene: NBN (nibrin; minus strand). Cytogenetic location: 8q21.3.
Variant type: single nucleotide variant.
Coding change: c.621T>C on transcript NM_002485.5 (MANE Select); coding-DNA position 621, T replaced by C.
Protein change: p.Ser207=; no amino-acid change (serine 207 retained).
Molecular consequence: synonymous variant.
Genome position (GRCh38, 1-based): chr8:89,971,254, A>G on the plus strand (T>C on the coding strand, the complement: NBN is on the minus strand). VCF-style: chr8-89971254-A-G. GRCh37 (hg19) VCF-style: chr8-90983482-A-G.
Other names: c.375T>C, p.Ser125= (NM_001024688.3).
Identifiers: ClinVar variation 229759 (VCV000229759.20), dbSNP rs876658177, ClinGen allele CA10578798.

ClinVar aggregate classification (germline): Conflicting classifications of pathogenicity. Review status: criteria provided, conflicting classifications (1 of 4 stars). 4 submissions from 4 submitters: Uncertain significance (1); Likely benign (3). Last evaluated 2025-12-01.

Conditions:
Hereditary cancer-predisposing syndrome. Also called: Hereditary Cancer Syndrome; Neoplastic Syndromes, Hereditary; Tumor predisposition; Hereditary neoplastic syndrome. Identifiers: Orphanet 140162, MedGen C0027672, MeSH D009386, MONDO:0015356.
Microcephaly, normal intelligence and immunodeficiency (NBS). Also called: BERLIN BREAKAGE SYNDROME; Ataxia telangiectasia variant V1; IMMUNODEFICIENCY, MICROCEPHALY, AND CHROMOSOMAL INSTABILITY; SEEMANOVA SYNDROME II; Nijmegen breakage syndrome; Microcephaly with normal intelligence immunodeficiency and lymphoreticular malignancies. Identifiers: Orphanet 647, MedGen C0398791, MONDO:0009623, OMIM 251260.

Allele frequency attached by ClinVar (database versions not stated): gnomAD exomes below 0.00001; gnomAD 0.00001; TOPMed 0.00002.
gnomAD v4.1: 7 of 1,613,100 alleles (0.00043%); highest among the groups gnomAD compares: Admixed American, 0.0017%; no homozygotes.

Submissions (4):

Labcorp Genetics (formerly Invitae), Labcorp
Classification: Likely benign for Microcephaly, normal intelligence and immunodeficiency. Last evaluated: 2025-12-01. Review status: criteria provided, single submitter. Criteria: Invitae Variant Classification Sherloc (09022015). Collection method: clinical testing. Allele origin: germline.

Quest Diagnostics Nichols Institute San Juan Capistrano
Classification: Uncertain significance. Last evaluated: 2025-07-23. Review status: criteria provided, single submitter. Criteria: Quest Diagnostics criteria. Collection method: clinical testing. Allele origin: unknown.
Comment: The NBN c.621T>C (p.Ser207=) synonymous variant has not been reported in individuals with NBN-related conditions in the published literature. The frequency of this variant in the general population (Genome Aggregation Database) is uninformative in the assessment of its pathogenicity. Analysis of this variant using software algorithms for the prediction of the effect of nucleotide changes on splicing yielded predictions that this variant does not affect NBN mRNA splicing. Based on the available information, we are unable to determine the clinical significance of this variant.

Women's Health and Genetics/Laboratory Corporation of America, LabCorp
Classification: Likely benign. Last evaluated: 2019-08-29. Review status: criteria provided, single submitter. Criteria: LabCorp Variant Classification Summary - May 2015. Collection method: clinical testing. Allele origin: germline.

Ambry Genetics
Classification: Likely benign for Hereditary cancer-predisposing syndrome. Last evaluated: 2014-11-25. Review status: criteria provided, single submitter. Criteria: Ambry Variant Classification Scheme 2023. Collection method: clinical testing. Allele origin: germline.